The following is an entry in ClinVar:

ClinVar aggregate classification (germline): Uncertain significance (1 of 4 stars; one submission).

Submission:

GeneDx
Classification: Uncertain significance. Last evaluated: 2015-10-23. Review status: criteria provided, single submitter. Criteria: GeneDx Variant Classification (06012015). Collection method: clinical testing. Allele origin: germline. Affected: yes.
Comment: The M206V variant in the ACSL4 gene has not been published as a pathogenic variant, nor has it been reported as a benign polymorphism to our knowledge. This variant was not observed in approximately 6500 individuals of European and African American ancestry in the NHLBI Exome Sequencing Project, indicating it is not a common variant in these populations. The M206V variant is a conservative amino acid substitution, which is not likely to impact secondary protein structure as these residues share similar properties. This substitution occurs at a position that is conserved across species. In silico analysis is inconsistent in its predictions as to whether or not the variant is damaging to the protein structure/function. We interpret M206V as a variant of uncertain significance.

NM_001318510.2(ACSL4):c.616A>G (p.Met206Val)

Gene: ACSL4 (acyl-CoA synthetase long chain family member 4; minus strand). Cytogenetic location: Xq23.
Variant type: single nucleotide variant.
Coding change: c.616A>G on transcript NM_001318510.2 (MANE Select); coding-DNA position 616, A replaced by G.
Protein change: p.Met206Val; replaces methionine 206 with valine.
Molecular consequence: missense variant.
Genome position (GRCh38, 1-based): chrX:109,681,037, T>C on the plus strand (A>G on the coding strand, the complement: ACSL4 is on the minus strand). VCF-style: chrX-109681037-T-C. GRCh37 (hg19) VCF-style: chrX-108924266-T-C.
Other names: c.739A>G, p.Met247Val (NM_001318509.2, NM_022977.3); c.616A>G, p.Met206Val (NM_004458.3); short protein forms M206V, M247V.
Identifiers: ClinVar variation 380722 (VCV000380722.2), dbSNP rs1057520891, ClinGen allele CA16608672.